The following is an entry in ClinVar:

NM_031844.3(HNRNPU):c.1259C>T (p.Ser420Leu)

Gene: HNRNPU (heterogeneous nuclear ribonucleoprotein U; minus strand). Cytogenetic location: 1q44.
Variant type: single nucleotide variant.
Coding change: c.1259C>T on transcript NM_031844.3 (MANE Select); coding-DNA position 1259, C replaced by T.
Protein change: p.Ser420Leu; replaces serine 420 with leucine.
Molecular consequence: missense variant.
Genome position (GRCh38, 1-based): chr1:244,858,246, G>A on the plus strand (C>T on the coding strand, the complement: HNRNPU is on the minus strand). VCF-style: chr1-244858246-G-A. GRCh37 (hg19) VCF-style: chr1-245021548-G-A.
Other names: c.1202C>T, p.Ser401Leu (NM_004501.3); short protein forms S420L, S401L.
Identifiers: ClinVar variation 578810 (VCV000578810.13), dbSNP rs778010676, ClinGen allele CA1486498.

ClinVar aggregate classification (germline): Uncertain significance. Review status: criteria provided, multiple submitters, no conflicts (2 of 4 stars). 2 submissions from 2 submitters: Uncertain significance (2). Last evaluated 2025-10-23.

Conditions:
Developmental and epileptic encephalopathy, 54. Also called: HNRNPU-Related Neurodevelopmental Disorder; Epileptic encephalopathy, early infantile, 54. Identifiers: MedGen C4479319, MONDO:0033363, OMIM 617391.

Allele frequency attached by ClinVar (database versions not stated): TOPMed 0.00003; gnomAD exomes 0.00007 and 0.00003; ExAC 0.00003; gnomAD 0.00003.
gnomAD v4.1: 109 of 1,613,800 alleles (0.0068%); highest among the groups gnomAD compares: Admixed American, 0.0083%; no homozygotes.

Submissions (2):

Labcorp Genetics (formerly Invitae), Labcorp
Classification: Uncertain significance for Developmental and epileptic encephalopathy, 54. Last evaluated: 2025-10-23. Review status: criteria provided, single submitter. Criteria: Invitae Variant Classification Sherloc (09022015). Collection method: clinical testing. Allele origin: germline.
Comment: This sequence change replaces serine, which is neutral and polar, with leucine, which is neutral and non-polar, at codon 420 of the HNRNPU protein (p.Ser420Leu). This variant is present in population databases (rs778010676, gnomAD 0.01%). This missense change has been observed in individual(s) with amyotrophic lateral sclerosis (PMID: 29170628). ClinVar contains an entry for this variant (Variation ID: 578810). Invitae Evidence Modeling of protein sequence and biophysical properties (such as structural, functional, and spatial information, amino acid conservation, physicochemical variation, residue mobility, and thermodynamic stability) has been performed for this missense variant. However, the output from this modeling did not meet the statistical confidence thresholds required to predict the impact of this variant on HNRNPU protein function. In summary, the available evidence is currently insufficient to determine the role of this variant in disease. Therefore, it has been classified as a Variant of Uncertain Significance.

Athena Diagnostics
Classification: Uncertain significance. Last evaluated: 2018-11-05. Review status: criteria provided, single submitter. Criteria: Athena Diagnostics Criteria. Collection method: clinical testing. Allele origin: germline.

Literature cited by the submitters: PubMed 29170628 (cited by Labcorp Genetics (formerly Invitae), Labcorp and Athena Diagnostics).